The following is an entry in ClinVar:

NM_001040108.2(MLH3):c.3805G>A (p.Glu1269Lys)

Gene: MLH3 (mutL homolog 3; minus strand). Cytogenetic location: 14q24.3.
Variant type: single nucleotide variant.
Coding change: c.3805G>A on transcript NM_001040108.2 (MANE Select); coding-DNA position 3805, G replaced by A.
Protein change: p.Glu1269Lys; replaces glutamic acid 1269 with lysine.
Molecular consequence: missense variant.
Genome position (GRCh38, 1-based): chr14:75,032,090, C>T on the plus strand (G>A on the coding strand, the complement: MLH3 is on the minus strand). VCF-style: chr14-75032090-C-T. GRCh37 (hg19) VCF-style: chr14-75498793-C-T.
Other names: c.3733G>A, p.Glu1245Lys (NM_014381.3); short protein forms E1269K, E1245K.
Identifiers: ClinVar variation 4108616 (VCV004108616.1).

ClinVar aggregate classification (germline): Uncertain significance (1 of 4 stars; one submission).

Submission:

Ambry Genetics
Classification: Uncertain significance. Last evaluated: 2025-06-18. Review status: criteria provided, single submitter. Criteria: Ambry Variant Classification Scheme 2023. Collection method: clinical testing. Allele origin: germline.
Comment: The p.E1269K variant (also known as c.3805G>A), located in coding exon 7 of the MLH3 gene, results from a G to A substitution at nucleotide position 3805. The glutamic acid at codon 1269 is replaced by lysine, an amino acid with similar properties. This amino acid position is conserved. In addition, this alteration is predicted to be tolerated by in silico analysis. Based on the available evidence, the clinical significance of this variant remains unclear.